The following is an entry in ClinVar:

ClinVar aggregate classification (germline): Uncertain significance (1 of 4 stars; one submission).

Conditions:
RASopathy. Also called: rasopathies; Noonan spectrum disorder. Identifiers: Orphanet 536391, MedGen C5555857, MONDO:0021060.

Submission:

Labcorp Genetics (formerly Invitae), Labcorp
Classification: Uncertain significance for RASopathy. Last evaluated: 2024-05-09. Review status: criteria provided, single submitter. Criteria: Invitae Variant Classification Sherloc (09022015). Collection method: clinical testing. Allele origin: germline.
Comment: This sequence change replaces cysteine, which is neutral and slightly polar, with tyrosine, which is neutral and polar, at codon 980 of the SOS1 protein (p.Cys980Tyr). This variant is not present in population databases (gnomAD no frequency). This variant has not been reported in the literature in individuals affected with SOS1-related conditions. Advanced modeling of protein sequence and biophysical properties (such as structural, functional, and spatial information, amino acid conservation, physicochemical variation, residue mobility, and thermodynamic stability) performed at Invitae indicates that this missense variant is expected to disrupt SOS1 protein function with a positive predictive value of 95%. In summary, the available evidence is currently insufficient to determine the role of this variant in disease. Therefore, it has been classified as a Variant of Uncertain Significance.

NM_005633.4(SOS1):c.2939G>A (p.Cys980Tyr)

Gene: SOS1 (SOS Ras/Rac guanine nucleotide exchange factor 1; minus strand). Cytogenetic location: 2p22.1.
Variant type: single nucleotide variant.
Coding change: c.2939G>A on transcript NM_005633.4 (MANE Select); coding-DNA position 2939, G replaced by A.
Protein change: p.Cys980Tyr; replaces cysteine 980 with tyrosine.
Molecular consequence: missense variant.
Genome position (GRCh38, 1-based): chr2:38,997,278, C>T on the plus strand (G>A on the coding strand, the complement: SOS1 is on the minus strand). VCF-style: chr2-38997278-C-T. GRCh37 (hg19) VCF-style: chr2-39224419-C-T.
Other names: c.2918G>A, p.Cys973Tyr (NM_001382394.1); c.2939G>A, p.Cys980Tyr (NM_001382395.1); short protein forms C973Y, C980Y.
Identifiers: ClinVar variation 3706521 (VCV003706521.2).